The following is an entry in ClinVar:

NM_001164508.2(NEB):c.21213del (p.Lys7071fs)

Gene: NEB (nebulin; minus strand). Cytogenetic location: 2q23.3.
Variant type: Deletion.
Coding change: c.21213del on transcript NM_001164508.2 (MANE Select); coding-DNA position 21213, one base deleted (G; older notation c.21213delG).
Protein change: p.Lys7071fs; shifts the reading frame from lysine 7071.
Molecular consequence: frameshift variant.
Genome position (GRCh38, 1-based): chr2:151,535,790, C deleted on the plus strand (G on the coding strand, the reverse complement: NEB is on the minus strand). VCF-style (leftmost placement, unchanged base first): chr2-151535789-AC-A. GRCh37 (hg19) VCF-style: chr2-152392303-AC-A.
Other names: c.21213del, p.Lys7071fs (NM_001164507.2, NM_001271208.2); c.16110del, p.Lys5370fs (NM_004543.5); short protein forms K5370fs, K7071fs.
Identifiers: ClinVar variation 1725009 (VCV001725009.2), dbSNP rs2552147228, ClinGen allele CA2580063903.

ClinVar aggregate classification (germline): Likely pathogenic (1 of 4 stars; one submission).

Conditions:
Nemaline myopathy 2 (NEM2). Also called: Nemaline myopathy 2, autosomal recessive. Identifiers: MedGen C1850569, MONDO:0009725, OMIM 256030.

Submission:

Myriad Genetics, Inc.
Classification: Likely pathogenic for Nemaline myopathy 2. Last evaluated: 2021-11-26. Review status: criteria provided, single submitter. Criteria: Myriad Women's Health Autosomal Recessive and X-Linked Classification Criteria (2021). Collection method: clinical testing. Allele origin: unknown.
Comment: NM_001271208.1(NEB):c.21213delG(K7071Nfs*31) is expected to be pathogenic in the context of NEB-related nemaline myopathy. This variant is predicted to lead to an abnormal or absent protein product due to the creation of a premature termination codon in NEB, a gene where loss-of-function variants are known to be pathogenic. Please note: this variant was assessed in the context of healthy population screening.